The following is an entry in ClinVar:

ClinVar aggregate classification (germline): Benign/Likely benign. Review status: criteria provided, multiple submitters, no conflicts (2 of 4 stars). 4 submissions from 4 submitters: Benign (2); Likely benign (2). Last evaluated 2026-08-04.

Conditions:
Inborn genetic diseases. Identifiers: MedGen C0950123, MeSH D030342.
Charcot-Marie-Tooth disease axonal type 2O. Also called: Charcot-Marie-Tooth disease, axonal, type 20; CHARCOT-MARIE-TOOTH NEUROPATHY, AXONAL, TYPE 2O; CHARCOT-MARIE-TOOTH DISEASE, AXONAL, AUTOSOMAL DOMINANT, TYPE 2O; Charcot-Marie-Tooth Neuropathy Type 2O. Identifiers: Orphanet 284232, MedGen C3280220, MONDO:0013644, OMIM 614228.
DYNC1H1-related disorder. Also called: DYNC1H1-related condition; DYNC1H1-related disorders. Identifiers: MedGen CN381529.

Submissions (4):

PreventionGenetics, part of Exact Sciences
Classification: Likely benign for DYNC1H1-related condition. Last evaluated: 2026-08-04. Review status: criteria provided, single submitter. Criteria: ACMG Guidelines, 2015. Collection method: clinical testing. Allele origin: germline.
Comment: This variant is classified as likely benign based on ACMG/AMP sequence variant interpretation guidelines (Richards et al. 2015 PMID: 25741868, with internal and published modifications).

Labcorp Genetics (formerly Invitae), Labcorp
Classification: Likely benign for Charcot-Marie-Tooth disease axonal type 2O. Last evaluated: 2026-01-09. Review status: criteria provided, single submitter. Criteria: Invitae Variant Classification Sherloc (09022015). Collection method: clinical testing. Allele origin: germline.

Women's Health and Genetics/Laboratory Corporation of America, LabCorp
Classification: Benign. Last evaluated: 2025-12-26. Review status: criteria provided, single submitter. Criteria: LabCorp Variant Classification Summary - May 2015. Collection method: clinical testing. Allele origin: germline.

Ambry Genetics
Classification: Benign for Inborn genetic diseases. Last evaluated: 2019-11-01. Review status: criteria provided, single submitter. Criteria: Ambry Variant Classification Scheme 2023. Collection method: clinical testing. Allele origin: germline.

NM_001376.5(DYNC1H1):c.13707G>T (p.Thr4569=)

Gene: DYNC1H1 (dynein cytoplasmic 1 heavy chain 1; plus strand). Cytogenetic location: 14q32.31.
Variant type: single nucleotide variant.
Coding change: c.13707G>T on transcript NM_001376.5 (MANE Select); coding-DNA position 13707, G replaced by T.
Protein change: p.Thr4569=; no amino-acid change (threonine 4569 retained).
Molecular consequence: synonymous variant.
Genome position (GRCh38, 1-based): chr14:102,050,093, G>T. VCF-style: chr14-102050093-G-T. GRCh37 (hg19) VCF-style: chr14-102516430-G-T.
Identifiers: ClinVar variation 1109797 (VCV001109797.13), dbSNP rs138571942, ClinGen allele CA7354340.
Genomic context (GRCh38, chr14:102,050,093, plus strand): 5'-TGTTCACCTCAGCCTGGGTTTTGGCTTCCGCCTCACAGGTTTGAAACTTCAAGGGGCCAC[G>T]TGCAACAACAACAAGCTGTCACTGTCCAATGCCATCTCAACCGCCCTTCCCCTGACGCAG-3'
Protein context (NP_001367.2, residues 4559-4579): GVTGLKLQGA[Thr4569=]CNNNKLSLSN